The following is an entry in ClinVar:

NM_001077620.3(PRCD):c.104G>A (p.Arg35Lys)

Genes: CYGB (cytoglobin; minus strand), PRCD (photoreceptor disc component; plus strand). Cytogenetic location: 17q25.1.
Variant type: single nucleotide variant.
Coding change: c.104G>A on transcript NM_001077620.3 (MANE Select); coding-DNA position 104, G replaced by A.
Protein change: p.Arg35Lys; replaces arginine 35 with lysine.
Molecular consequence: missense variant. On other transcripts: non-coding transcript variant (1).
Genome position (GRCh38, 1-based): chr17:76,540,534, G>A. VCF-style: chr17-76540534-G-A. GRCh37 (hg19) VCF-style: chr17-74536616-G-A.
Other names: short protein forms R35K.
Identifiers: ClinVar variation 963465 (VCV000963465.5), dbSNP rs764158636, ClinGen allele CA8787912.

ClinVar aggregate classification (germline): Uncertain significance (1 of 4 stars; one submission).

Allele frequency attached by ClinVar (database versions not stated): gnomAD exomes below 0.00001; ExAC 0.00001.
gnomAD v4.1: 2 of 1,613,682 alleles (0.00012%); highest among the groups gnomAD compares: East Asian, 0.0045%; no homozygotes.

Submission:

Labcorp Genetics (formerly Invitae), Labcorp
Classification: Uncertain significance. Last evaluated: 2022-06-27. Review status: criteria provided, single submitter. Criteria: Invitae Variant Classification Sherloc (09022015). Collection method: clinical testing. Allele origin: germline.
Comment: This sequence change replaces arginine, which is basic and polar, with lysine, which is basic and polar, at codon 35 of the PRCD protein (p.Arg35Lys). This variant is present in population databases (rs764158636, gnomAD 0.006%). This variant has not been reported in the literature in individuals affected with PRCD-related conditions. ClinVar contains an entry for this variant (Variation ID: 963465). Algorithms developed to predict the effect of missense changes on protein structure and function (SIFT, PolyPhen-2, Align-GVGD) all suggest that this variant is likely to be tolerated. In summary, the available evidence is currently insufficient to determine the role of this variant in disease. Therefore, it has been classified as a Variant of Uncertain Significance.